The following is an entry in ClinVar:

ClinVar aggregate classification (germline): Uncertain significance. Review status: criteria provided, multiple submitters, no conflicts (2 of 4 stars). 3 submissions from 3 submitters: Uncertain significance (3). Last evaluated 2025-08-08.

Conditions:
Inborn genetic diseases. Identifiers: MedGen C0950123, MeSH D030342.
Muscular dystrophy-dystroglycanopathy (congenital with brain and eye anomalies), type A13. Also called: WALKER-WARBURG SYNDROME OR MUSCLE-EYE-BRAIN DISEASE, B3GNT1-RELATED; Muscular dystrophy-dystroglycanopathy (congenital with brain and eye anomalies), type a, 13. Identifiers: Orphanet 899, MedGen C3809042, MONDO:0014120, OMIM 615287.

Allele frequency attached by ClinVar (database versions not stated): TOPMed 0.00002.

Submissions (3):

Ambry Genetics
Classification: Uncertain significance for Inborn genetic diseases. Last evaluated: 2025-08-08. Review status: criteria provided, single submitter. Criteria: Ambry Variant Classification Scheme 2023. Collection method: clinical testing. Allele origin: germline.

Labcorp Genetics (formerly Invitae), Labcorp
Classification: Uncertain significance for Muscular dystrophy-dystroglycanopathy (congenital with brain and eye anomalies), type A13. Last evaluated: 2022-07-19. Review status: criteria provided, single submitter. Criteria: Invitae Variant Classification Sherloc (09022015). Collection method: clinical testing. Allele origin: germline.
Comment: This variant has not been reported in the literature in individuals affected with B4GAT1-related conditions. This variant is not present in population databases (gnomAD no frequency). This sequence change replaces leucine, which is neutral and non-polar, with proline, which is neutral and non-polar, at codon 356 of the B4GAT1 protein (p.Leu356Pro). ClinVar contains an entry for this variant (Variation ID: 235443). In summary, the available evidence is currently insufficient to determine the role of this variant in disease. Therefore, it has been classified as a Variant of Uncertain Significance. Algorithms developed to predict the effect of missense changes on protein structure and function (SIFT, PolyPhen-2, Align-GVGD) all suggest that this variant is likely to be disruptive.

Center for Pediatric Genomic Medicine, Children's Mercy Hospital and Clinics
Classification: Uncertain significance. Last evaluated: 2015-10-28. Review status: criteria provided, single submitter. Criteria: ACMG Guidelines, 2015. Collection method: clinical testing. Allele origin: germline.
ClinVar note: Converted during submission from Uncertain Significance to Uncertain significance.

NM_006876.3(B4GAT1):c.1067T>C (p.Leu356Pro)

Gene: B4GAT1 (beta-1,4-glucuronyltransferase 1; minus strand). Cytogenetic location: 11q13.2.
Variant type: single nucleotide variant.
Coding change: c.1067T>C on transcript NM_006876.3 (MANE Select); coding-DNA position 1067, T replaced by C.
Protein change: p.Leu356Pro; replaces leucine 356 with proline.
Molecular consequence: missense variant.
Genome position (GRCh38, 1-based): chr11:66,346,230, A>G on the plus strand (T>C on the coding strand, the complement: B4GAT1 is on the minus strand). VCF-style: chr11-66346230-A-G. GRCh37 (hg19) VCF-style: chr11-66113701-A-G.
Other names: short protein forms L356P.
Identifiers: ClinVar variation 235443 (VCV000235443.13), dbSNP rs878853035, ClinGen allele CA10581311.
Genomic context (GRCh38, chr11:66,346,230, plus strand): 5'-AAGCCCTTATGAACCAAGAAACCTTCGTTCAGGACCTCAAAATCAAACCCCGCCACATGC[A>G]GCTCGCAGGCCTGCAGGAGGAAAGACAGGTTAGCAAAGTTTGATGACATTGACAGGCCTG-3'
Protein context (NP_006867.1, residues 346-366): GFNRISQACE[Leu356Pro]HVAGFDFEVL